The following is an entry in ClinVar:

ClinVar aggregate classification (germline): Likely pathogenic (1 of 4 stars; one submission).

Submission:

Labcorp Genetics (formerly Invitae), Labcorp
Classification: Likely pathogenic. Last evaluated: 2022-12-20. Review status: criteria provided, single submitter. Criteria: Invitae Variant Classification Sherloc (09022015). Collection method: clinical testing. Allele origin: germline.
Comment: This sequence change affects a donor splice site in intron 21 of the MCM3AP gene. It is expected to disrupt RNA splicing. Variants that disrupt the donor or acceptor splice site typically lead to a loss of protein function (PMID: 16199547), and loss-of-function variants in MCM3AP are known to be pathogenic (PMID: 28633435). This variant is not present in population databases (gnomAD no frequency). Disruption of this splice site has been observed in individual(s) with clinical features of MCM3AP-related conditions (Invitae). Algorithms developed to predict the effect of sequence changes on RNA splicing suggest that this variant may disrupt the consensus splice site. In summary, the currently available evidence indicates that the variant is pathogenic, but additional data are needed to prove that conclusively. Therefore, this variant has been classified as Likely Pathogenic.

Literature cited by the submitters: PubMed 16199547; PubMed 28633435.

NM_003906.5(MCM3AP):c.4549+1G>T

Genes: MCM3AP (minichromosome maintenance complex component 3 associated protein; minus strand), MCM3AP-AS1 (MCM3AP antisense RNA 1; plus strand). Cytogenetic location: 21q22.3.
Variant type: single nucleotide variant.
Coding change: c.4549+1G>T on transcript NM_003906.5 (MANE Select); the canonical splice donor site of the intron after coding-DNA position 4549, G replaced by T.
Molecular consequence: splice donor variant.
Genome position (GRCh38, 1-based): chr21:46,246,627, C>A on the plus strand (G>T on the coding strand, the complement: MCM3AP is on the minus strand). VCF-style: chr21-46246627-C-A. GRCh37 (hg19) VCF-style: chr21-47666541-C-A.
Identifiers: ClinVar variation 1936013 (VCV001936013.5), dbSNP rs1601493825, ClinGen allele CA410544960.